The following is an entry in ClinVar:

NM_017757.3(ZNF407):c.2292A>G (p.Lys764=)

Gene: ZNF407 (zinc finger protein 407; plus strand). Cytogenetic location: 18q22.3.
Variant type: single nucleotide variant.
Coding change: c.2292A>G on transcript NM_017757.3 (MANE Select); coding-DNA position 2292, A replaced by G.
Protein change: p.Lys764=; no amino-acid change (lysine 764 retained).
Molecular consequence: synonymous variant.
Genome position (GRCh38, 1-based): chr18:74,633,311, A>G. VCF-style: chr18-74633311-A-G. GRCh37 (hg19) VCF-style: chr18-72345267-A-G.
Other names: c.2292A>G, p.Lys764= (NM_001146189.1, NM_001146190.1, NM_001384475.1).
Identifiers: ClinVar variation 3049616 (VCV003049616.2), dbSNP rs200573495, ClinGen allele CA9000492.

ClinVar aggregate classification (germline): Likely benign (0 of 4 stars; one submission).

Conditions:
ZNF407-related disorder. Also called: ZNF407-related condition.

Allele frequency attached by ClinVar (database versions not stated): gnomAD 0.00005; TOPMed 0.00005; ExAC 0.00007; 1000 Genomes Project 30x 0.00016; 1000 Genomes Project 0.00020; gnomAD exomes 0.00022.
gnomAD v4.1: 323 of 1,612,770 alleles (0.02%); highest among the groups gnomAD compares: Non-Finnish European, 0.027%; no homozygotes.

Submission:

PreventionGenetics, part of Exact Sciences
Classification: Likely benign for ZNF407-related condition. Last evaluated: 2019-07-25. Review status: no assertion criteria provided. Collection method: clinical testing. Allele origin: germline.
Comment: This variant is classified as likely benign based on ACMG/AMP sequence variant interpretation guidelines (Richards et al. 2015 PMID: 25741868, with internal and published modifications).